The following is an entry in ClinVar:

NM_001267550.2(TTN):c.69186_69187del (p.Pro23063fs)

Genes: TTN (titin; minus strand), TTN-AS1 (TTN antisense RNA 1; plus strand). Cytogenetic location: 2q31.2.
Variant type: Microsatellite.
Coding change: c.69186_69187del on transcript NM_001267550.2 (MANE Select); coding-DNA positions 69186 to 69187, 2 bases deleted (AC; older notation c.69186_69187delAC).
Protein change: p.Pro23063fs; shifts the reading frame from proline 23063.
Molecular consequence: frameshift variant.
Genome position (GRCh38, 1-based): chr2:178,577,148-178,577,149, GT deleted on the plus strand (AC on the coding strand, the reverse complement: TTN is on the minus strand); deleting any 2 consecutive bases within chr2:178,577,148-178,577,151 gives the same sequence; the c. name uses the placement nearest the transcript's 3' end. VCF-style (leftmost placement, unchanged base first): chr2-178577147-GGT-G. GRCh37 (hg19) VCF-style: chr2-179441874-GGT-G.
Other names: c.64263_64264del, p.Pro21422fs (NM_001256850.1); c.41991_41992del, p.Pro13998fs (NM_003319.4); c.61482_61483del, p.Pro20495fs (NM_133378.4); c.42366_42367del, p.Pro14123fs (NM_133432.3); c.42567_42568del, p.Pro14190fs (NM_133437.4); short protein forms P23063fs, P14123fs, P14190fs, P13998fs, P20495fs, P21422fs.
Identifiers: ClinVar variation 2029381 (VCV002029381.4), dbSNP rs2468766895, ClinGen allele CA2580614567.
Genomic context (GRCh38, chr2:178,577,147, plus strand): 5'-CTGGTTTCTCTCTTTTCAAGTATATAGGACTTAATTGGTGAGCCGCCATCTTCCAAGGGA[GGT>G]GTCCATGTAAGTGTTGCTTTTTCAGCAGAAACATTACTGATTTCAACAGGACCTGGGGGA-3'

ClinVar aggregate classification (germline): Likely pathogenic (1 of 4 stars; one submission).

Conditions:
Dilated cardiomyopathy 1G (CMD1G). Identifiers: Orphanet 154, MedGen C1858763, MONDO:0011400, OMIM 604145.
Autosomal recessive limb-girdle muscular dystrophy type 2J (LGMDR10). Also called: Limb-girdle muscular dystrophy, type 2J; MUSCULAR DYSTROPHY, LIMB-GIRDLE, AUTOSOMAL RECESSIVE 10. Identifiers: Orphanet 140922, MedGen C1837342, MONDO:0012127, OMIM 608807.

Submission:

Labcorp Genetics (formerly Invitae), Labcorp
Classification: Likely pathogenic for Dilated cardiomyopathy 1G; Autosomal recessive limb-girdle muscular dystrophy type 2J. Last evaluated: 2022-09-07. Review status: criteria provided, single submitter. Criteria: Invitae Variant Classification Sherloc (09022015). Collection method: clinical testing. Allele origin: germline.
Comment: In summary, the currently available evidence indicates that the variant is pathogenic, but additional data are needed to prove that conclusively. Therefore, this variant has been classified as Likely Pathogenic. This variant is located in the A band of TTN (PMID: 25589632). Truncating variants in this region are significantly overrepresented in patients affected with dilated cardiomyopathy (PMID: 25589632). Truncating variants in this region have also been reported in individuals affected with autosomal recessive centronuclear myopathy (PMID: 23975875). This variant has not been reported in the literature in individuals affected with TTN-related conditions. This variant is not present in population databases (gnomAD no frequency). This sequence change creates a premature translational stop signal (p.Pro23063Serfs*10) in the TTN gene. While this is not anticipated to result in nonsense mediated decay, it is expected to create a truncated TTN protein.

Literature cited by the submitters: PubMed 25589632; PubMed 23975875.